The following is an entry in ClinVar:

NM_002295.6(RPSA):c.427C>T (p.Pro143Ser)

Gene: RPSA (ribosomal protein SA; plus strand). Cytogenetic location: 3p22.1.
Variant type: single nucleotide variant.
Coding change: c.427C>T on transcript NM_002295.6 (MANE Select); coding-DNA position 427, C replaced by T.
Protein change: p.Pro143Ser; replaces proline 143 with serine.
Molecular consequence: missense variant.
Genome position (GRCh38, 1-based): chr3:39,410,928, C>T. VCF-style: chr3-39410928-C-T. GRCh37 (hg19) VCF-style: chr3-39452419-C-T.
Other names: c.442C>T, p.Pro148Ser (NM_001304288.2); short protein forms P143S, P148S.
Identifiers: ClinVar variation 4772428 (VCV004772428.1).

ClinVar aggregate classification (germline): Uncertain significance (1 of 4 stars; one submission).

Submission:

Labcorp Genetics (formerly Invitae), Labcorp
Classification: Uncertain significance. Last evaluated: 2026-02-01. Review status: criteria provided, single submitter. Criteria: Invitae Variant Classification Sherloc (09022015). Collection method: clinical testing. Allele origin: germline.
Comment: This sequence change replaces proline, which is neutral and non-polar, with serine, which is neutral and polar, at codon 143 of the RPSA protein (p.Pro143Ser). This variant is not present in population databases (gnomAD no frequency). This variant has not been reported in the literature in individuals affected with RPSA-related conditions. Invitae Evidence Modeling of protein sequence and biophysical properties (such as structural, functional, and spatial information, amino acid conservation, physicochemical variation, residue mobility, and thermodynamic stability) indicates that this missense variant is expected to disrupt RPSA protein function with a positive predictive value of 80%. In summary, the available evidence is currently insufficient to determine the role of this variant in disease. Therefore, it has been classified as a Variant of Uncertain Significance.